The following is an entry in ClinVar:

NM_014159.7(SETD2):c.2204C>A (p.Thr735Asn)

Gene: SETD2 (SET domain containing 2, histone lysine methyltransferase; minus strand). Cytogenetic location: 3p21.31.
Variant type: single nucleotide variant.
Coding change: c.2204C>A on transcript NM_014159.7 (MANE Select); coding-DNA position 2204, C replaced by A.
Protein change: p.Thr735Asn; replaces threonine 735 with asparagine.
Molecular consequence: missense variant. On other transcripts: non-coding transcript variant (1).
Genome position (GRCh38, 1-based): chr3:47,122,432, G>T on the plus strand (C>A on the coding strand, the complement: SETD2 is on the minus strand). VCF-style: chr3-47122432-G-T. GRCh37 (hg19) VCF-style: chr3-47163922-G-T.
Other names: c.2072C>A, p.Thr691Asn (NM_001349370.3); short protein forms T691N, T735N.
Identifiers: ClinVar variation 1376492 (VCV001376492.6), dbSNP rs1324928449, ClinGen allele CA352527466.

ClinVar aggregate classification (germline): Uncertain significance (1 of 4 stars; one submission).

Conditions:
Luscan-Lumish syndrome. Identifiers: Orphanet 597738, MedGen C4085873, MONDO:0014791, OMIM 616831.

Submission:

Labcorp Genetics (formerly Invitae), Labcorp
Classification: Uncertain significance for Luscan-Lumish syndrome. Last evaluated: 2021-10-22. Review status: criteria provided, single submitter. Criteria: Invitae Variant Classification Sherloc (09022015). Collection method: clinical testing. Allele origin: germline.
Comment: In summary, the available evidence is currently insufficient to determine the role of this variant in disease. Therefore, it has been classified as a Variant of Uncertain Significance. Algorithms developed to predict the effect of missense changes on protein structure and function (SIFT, PolyPhen-2, Align-GVGD) all suggest that this variant is likely to be tolerated. This variant has not been reported in the literature in individuals affected with SETD2-related conditions. This variant is not present in population databases (ExAC no frequency). This sequence change replaces threonine with asparagine at codon 735 of the SETD2 protein (p.Thr735Asn). The threonine residue is weakly conserved and there is a small physicochemical difference between threonine and asparagine.